The following is an entry in ClinVar:

ClinVar aggregate classification (germline): Uncertain significance (1 of 4 stars; one submission).

Conditions:
Alagille syndrome due to a JAG1 point mutation. Also called: Alagille Syndrome 1; JAG1-Related Alagille Syndrome; HEPATIC DUCTULAR HYPOPLASIA, SYNDROMATIC. Identifiers: Orphanet 261619, Orphanet 52, MedGen C1956125, MONDO:0016862, OMIM 118450.

gnomAD v4.1: 3 of 1,613,852 alleles (0.00019%); highest among the groups gnomAD compares: Non-Finnish European, 0.00025%; no homozygotes.

Submission:

Labcorp Genetics (formerly Invitae), Labcorp
Classification: Uncertain significance for Alagille syndrome due to a JAG1 point mutation. Last evaluated: 2024-12-14. Review status: criteria provided, single submitter. Criteria: Invitae Variant Classification Sherloc (09022015). Collection method: clinical testing. Allele origin: germline.
Comment: This sequence change replaces histidine, which is basic and polar, with aspartic acid, which is acidic and polar, at codon 501 of the JAG1 protein (p.His501Asp). This variant is not present in population databases (gnomAD no frequency). This variant has not been reported in the literature in individuals affected with JAG1-related conditions. Invitae Evidence Modeling of protein sequence and biophysical properties (such as structural, functional, and spatial information, amino acid conservation, physicochemical variation, residue mobility, and thermodynamic stability) indicates that this missense variant is not expected to disrupt JAG1 protein function with a negative predictive value of 95%. In summary, the available evidence is currently insufficient to determine the role of this variant in disease. Therefore, it has been classified as a Variant of Uncertain Significance.

NM_000214.3(JAG1):c.1501C>G (p.His501Asp)

Gene: JAG1 (jagged canonical Notch ligand 1; minus strand). Cytogenetic location: 20p12.2.
Variant type: single nucleotide variant.
Coding change: c.1501C>G on transcript NM_000214.3 (MANE Select); coding-DNA position 1501, C replaced by G.
Protein change: p.His501Asp; replaces histidine 501 with aspartic acid.
Molecular consequence: missense variant.
Genome position (GRCh38, 1-based): chr20:10,648,617, G>C on the plus strand (C>G on the coding strand, the complement: JAG1 is on the minus strand). VCF-style: chr20-10648617-G-C. GRCh37 (hg19) VCF-style: chr20-10629265-G-C.
Other names: short protein forms H501D.
Identifiers: ClinVar variation 3619564 (VCV003619564.2).